The following is an entry in ClinVar:

ClinVar aggregate classification (germline): Uncertain significance (1 of 4 stars; one submission).

Submission:

Labcorp Genetics (formerly Invitae), Labcorp
Classification: Uncertain significance. Last evaluated: 2024-04-16. Review status: criteria provided, single submitter. Criteria: Invitae Variant Classification Sherloc (09022015). Collection method: clinical testing. Allele origin: germline.
Comment: This sequence change replaces threonine, which is neutral and polar, with lysine, which is basic and polar, at codon 197 of the IRF4 protein (p.Thr197Lys). This variant is not present in population databases (gnomAD no frequency). This variant has not been reported in the literature in individuals affected with IRF4-related conditions. ClinVar contains an entry for this variant (Variation ID: 1713881). An algorithm developed to predict the effect of missense changes on protein structure and function (PolyPhen-2) suggests that this variant is likely to be tolerated. In summary, the available evidence is currently insufficient to determine the role of this variant in disease. Therefore, it has been classified as a Variant of Uncertain Significance.

NM_002460.4(IRF4):c.590C>A (p.Thr197Lys)

Gene: IRF4 (interferon regulatory factor 4; plus strand). Cytogenetic location: 6p25.3.
Variant type: single nucleotide variant.
Coding change: c.590C>A on transcript NM_002460.4 (MANE Select); coding-DNA position 590, C replaced by A.
Protein change: p.Thr197Lys; replaces threonine 197 with lysine.
Molecular consequence: missense variant. On other transcripts: non-coding transcript variant (1).
Genome position (GRCh38, 1-based): chr6:397,205, C>A. VCF-style: chr6-397205-C-A. GRCh37 (hg19) VCF-style: chr6-397205-C-A.
Other names: c.587C>A, p.Thr196Lys (NM_001195286.2); short protein forms T196K, T197K.
Identifiers: ClinVar variation 1713881 (VCV001713881.5), dbSNP rs372869810, ClinGen allele CA362547588.